The following is an entry in ClinVar:

ClinVar aggregate classification (germline): Pathogenic/Likely pathogenic. Review status: criteria provided, multiple submitters, no conflicts (2 of 4 stars). 3 submissions from 3 submitters: Pathogenic (2); Likely pathogenic (1). Last evaluated 2024-05-02.

Conditions:
MTM1-related disorder. Also called: MTM1-related condition.
Centronuclear myopathy (CNM). Also called: Myotubular myopathy; Centronuclear myopathy, congenital. Identifiers: Orphanet 595, MedGen C0175709, MONDO:0018947. Inheritance: All.
Severe X-linked myotubular myopathy (CNMX). Also called: X-linked centronuclear myopathy; Myotubular myopathy, X-linked; MYOTUBULAR MYOPATHY 1. Identifiers: Orphanet 596, MedGen C0410203, MONDO:0010683, OMIM 310400.

Submissions (3):

Blueprint Genetics
Classification: Likely pathogenic for MTM1-related disorders. Last evaluated: 2024-05-02. Review status: criteria provided, single submitter. Criteria: ACMG Guidelines, 2015. Collection method: clinical testing. Allele origin: germline. Affected: yes. Observed: 2 variant alleles.

Muscle and Diseases Team, Institut de Génétique et Biologie Moléculaire et Cellulaire
Classification: Pathogenic for Centronuclear myopathy. Last evaluated: 2024-03-01. Review status: criteria provided, single submitter. Criteria: ACMG Guidelines, 2015. Collection method: research. Allele origin: maternal. Affected: yes. Observed: 1 variant allele.
Comment: PS1+PM1+PM2+PP2+PP3+PP5

Genetic Services Laboratory, University of Chicago
Classification: Pathogenic for Myotubular myopathy, X-linked. Last evaluated: 2013-02-08. Review status: criteria provided, single submitter. Criteria: ACMG Guidelines, 2007. Collection method: clinical testing. Allele origin: germline. Inheritance: X-linked inheritance. Affected: yes.

Literature cited by the submitters: DOI 10.1186/s13073-024-01353-0 (cited by Muscle and Diseases Team, Institut de Génétique et Biologie Moléculaire et Cellulaire).

NM_000252.3(MTM1):c.535C>T (p.Pro179Ser)

Gene: MTM1 (myotubularin 1; plus strand). Cytogenetic location: Xq28.
Variant type: single nucleotide variant.
Coding change: c.535C>T on transcript NM_000252.3 (MANE Select); coding-DNA position 535, C replaced by T.
Protein change: p.Pro179Ser; replaces proline 179 with serine.
Molecular consequence: missense variant.
Genome position (GRCh38, 1-based): chrX:150,641,275, C>T. VCF-style: chrX-150641275-C-T. GRCh37 (hg19) VCF-style: chrX-149809748-C-T.
Other names: c.535C>T, p.Pro179Ser (NM_001376906.1, NM_001376908.1); c.424C>T, p.Pro142Ser (NM_001376907.1); short protein forms P179S, P142S.
Identifiers: ClinVar variation 158978 (VCV000158978.9), dbSNP rs587783832, ClinGen allele CA271892.